The following is an entry in ClinVar:

ClinVar aggregate classification (germline): no classifications from unflagged records (0 of 4 stars; one submission).

Submission:

ISCA site 1
Classification: Likely benign. Last evaluated: 2018-02-12. Review status: flagged submission. Collection method: clinical testing. Allele origin: unknown. Affected: yes. Observed: 1 variant allele.
Comment: Copy number variation identified through the course of routine clinical cytogenomic testing in postnatal populations, with clinical assertions as classified by the original submitter. For data from the original published study, Kaminsky, et al. 2011 (PubMed 21844811), please see nstd101.
ClinVar note: Notes: This submission was flagged because its interpretation of this variant conflicts with the ClinGen Gene Dosage Map curation for the gene STS.
ClinVar note: Reason: Conflict with ClinGen Gene Dosage Map

GRCh38/hg38 Xp22.31(chrX:6535272-8147112)x1

Genes: MIR4767 (microRNA 4767; plus strand), MIR651 (microRNA 651; plus strand), PNPLA4 (patatin like domain 4, phospholipase and triacylglycerol lipase; minus strand), PUDP (pseudouridine 5'-phosphatase; minus strand), STS (steroid sulfatase; plus strand) and 22 more. Cytogenetic location: Xp22.31.
Variant type: copy number loss.
Change: copy number 1 of chrX:6,535,272-8,147,112 (1.61 Mb, GRCh38 coordinates, 1-based), cytogenetic band Xp22.31.
Identifiers: ClinVar variation 155104 (VCV000155104.3).